The following is an entry in ClinVar:

NM_147127.5(EVC2):c.2188C>T (p.Gln730Ter)

Gene: EVC2 (EvC ciliary complex subunit 2; minus strand). Cytogenetic location: 4p16.2.
Variant type: single nucleotide variant.
Coding change: c.2188C>T on transcript NM_147127.5 (MANE Select); coding-DNA position 2188, C replaced by T.
Protein change: p.Gln730Ter; replaces glutamine 730 with a stop codon.
Molecular consequence: nonsense.
Genome position (GRCh38, 1-based): chr4:5,622,850, G>A on the plus strand (C>T on the coding strand, the complement: EVC2 is on the minus strand). VCF-style: chr4-5622850-G-A. GRCh37 (hg19) VCF-style: chr4-5624577-G-A.
Other names: c.1948C>T, p.Gln650Ter (NM_001166136.2); c.2188C>T (NM_147127.4); short protein forms Q650*, Q730*.
Identifiers: ClinVar variation 1454752 (VCV001454752.10), dbSNP rs2108839112, ClinGen allele CA356145123.

ClinVar aggregate classification (germline): Pathogenic. Review status: criteria provided, multiple submitters, no conflicts (2 of 4 stars). 3 submissions from 3 submitters: Pathogenic (2). 1 of the submissions does not count toward it. Last evaluated 2024-05-08.

Conditions:
Ellis-van Creveld syndrome (EVC). Also called: Chondroectodermal dysplasia; MESOECTODERMAL DYSPLASIA. Identifiers: Orphanet 289, MedGen C0013903, MONDO:0009162, OMIM 225500.
Curry-Hall syndrome (WAD). Also called: WEYERS ACRODENTAL DYSOSTOSIS. Identifiers: Orphanet 952, MedGen C0457013, MONDO:0008673, OMIM 193530.

Submissions (3):

Myriad Genetics, Inc.
Classification: Pathogenic for Ellis-van Creveld syndrome. Last evaluated: 2024-05-08. Review status: criteria provided, single submitter. Criteria: Myriad Autosomal Dominant, Autosomal Recessive and X-Linked Classification Criteria (2023). Collection method: clinical testing. Allele origin: unknown.
Comment: NM_147127.4(EVC2):c.2188C>T(Q730*) is expected to be pathogenic in the context of EVC2-related Ellis-van Creveld syndrome. This variant is predicted to lead to an abnormal or absent protein product due to the creation of a premature termination codon in EVC2, a gene where loss-of-function variants are known to be pathogenic. Please note: this variant was assessed in the context of healthy population screening.

Labcorp Genetics (formerly Invitae), Labcorp
Classification: Pathogenic for Curry-Hall syndrome; Ellis-van Creveld syndrome. Last evaluated: 2023-09-21. Review status: criteria provided, single submitter. Criteria: Invitae Variant Classification Sherloc (09022015). Collection method: clinical testing. Allele origin: germline.
Comment: For these reasons, this variant has been classified as Pathogenic. ClinVar contains an entry for this variant (Variation ID: 1454752). This variant has not been reported in the literature in individuals affected with EVC2-related conditions. This variant is not present in population databases (gnomAD no frequency). This sequence change creates a premature translational stop signal (p.Gln730*) in the EVC2 gene. It is expected to result in an absent or disrupted protein product. Loss-of-function variants in EVC2 are known to be pathogenic (PMID: 17024374, 19810119, 19876929).

Royal Medical Services, Bahrain Defence Force Hospital
No classification provided. Condition: Ellis-van Creveld syndrome. Review status: no classification provided. Collection method: phenotyping only. Allele origin: germline. Inheritance: Autosomal recessive inheritance. Affected: yes. Observed: 1 homozygote. Not counted in ClinVar's aggregate classification.

Literature cited by the submitters: PubMed 17024374 (cited by Labcorp Genetics (formerly Invitae), Labcorp); PubMed 19810119 (cited by Labcorp Genetics (formerly Invitae), Labcorp); PubMed 19876929 (cited by Labcorp Genetics (formerly Invitae), Labcorp); PubMed 10700184 (cited by Royal Medical Services, Bahrain Defence Force Hospital); PubMed 12571802 (cited by Royal Medical Services, Bahrain Defence Force Hospital); PubMed 12468274 (cited by Royal Medical Services, Bahrain Defence Force Hospital).